The following is an entry in ClinVar:

NM_000883.4(IMPDH1):c.1598A>G (p.Gln533Arg)

Gene: IMPDH1 (inosine monophosphate dehydrogenase 1; minus strand). Cytogenetic location: 7q32.1.
Variant type: single nucleotide variant.
Coding change: c.1598A>G on transcript NM_000883.4 (MANE Select); coding-DNA position 1598, A replaced by G.
Protein change: p.Gln533Arg; replaces glutamine 533 with arginine.
Molecular consequence: missense variant.
Genome position (GRCh38, 1-based): chr7:128,394,552, T>C on the plus strand (A>G on the coding strand, the complement: IMPDH1 is on the minus strand). VCF-style: chr7-128394552-T-C. GRCh37 (hg19) VCF-style: chr7-128034606-T-C.
Other names: c.1568A>G, p.Gln523Arg (NM_001102605.2); c.1343A>G, p.Gln448Arg (NM_001142573.2); c.1328A>G, p.Gln443Arg (NM_001142574.2); c.1268A>G, p.Gln423Arg (NM_001142575.2); c.1499A>G, p.Gln500Arg (NM_001142576.2); c.1391A>G, p.Gln464Arg (NM_001304521.2); c.1490A>G, p.Gln497Arg (NM_183243.3); short protein forms Q533R, Q423R, Q448R, Q523R, Q443R, Q500R, Q464R, Q497R.
Identifiers: ClinVar variation 636175 (VCV000636175.41), dbSNP rs144498273, ClinGen allele CA4470775.

ClinVar aggregate classification (germline): Conflicting classifications of pathogenicity. Review status: criteria provided, conflicting classifications (1 of 4 stars). 10 submissions from 9 submitters: Uncertain significance (5); Likely benign (4). 1 of the submissions does not count toward it. Last evaluated 2026-07-01.

Conditions:
IMPDH1-related disorder. Also called: IMPDH1-related disorders; IMPDH1-related condition.
Retinal dystrophy. Also called: Inherited retinal dystrophy. Identifiers: Orphanet 71862, MedGen C0854723, MeSH D058499, MONDO:0019118, HP:0000556.
Retinitis pigmentosa (RP). Identifiers: Orphanet 791, MedGen C0035334, MeSH D012174, MONDO:0019200, OMIM 268000. Inheritance: Autosomal dominant, autosomal recessive and X linked inheritance.
Leber congenital amaurosis 11 (LCA11). Identifiers: Orphanet 65, MedGen C1840284, MONDO:0013454, OMIM 613837.

Allele frequency attached by ClinVar (database versions not stated): 1000 Genomes Project 30x 0.00031; 1000 Genomes Project 0.00040; ExAC 0.00079; gnomAD exomes 0.00079 and 0.00136; gnomAD 0.00088 and 0.00092; TOPMed 0.00097; ESP Exome Variant Server 0.00108.
gnomAD v4.1: 2,113 of 1,613,906 alleles (0.13%); highest among the groups gnomAD compares: Middle Eastern, 0.35%; 6 homozygotes.

Submissions (10):

CeGaT Center for Human Genetics Tuebingen
Classification: Likely benign. Last evaluated: 2026-07-01. Review status: criteria provided, single submitter. Criteria: CeGaT Center For Human Genetics Tuebingen Variant Classification Criteria Version 2. Collection method: clinical testing. Allele origin: germline. Affected: yes. Observed: 2 variant alleles.
Comment: IMPDH1: BS2

PreventionGenetics, part of Exact Sciences
Classification: Uncertain significance for IMPDH1-related condition. Last evaluated: 2026-06-08. Review status: criteria provided, single submitter. Criteria: ACMG Guidelines, 2015. Collection method: clinical testing. Allele origin: germline.
Comment: The IMPDH1 c.1598A>G variant is predicted to result in the amino acid substitution p.Gln533Arg. This variant has been reported in individuals with retinitis pigmentosa (Table S5, Mihalich et al. 2024. PubMed ID: 38927702; Table S4, Jespersgaard et al. 2019. PubMed ID: 30718709; Table S3, Wang et al. 2014. PubMed ID: 25097241); however, in two of the cases, patients carried additional variants in other relevant genes (Table S5, Mihalich et al. 2024. PubMed ID: 38927702; Table S3, Wang et al. 2014. PubMed ID: 25097241). This variant is reported in 0.14% of alleles in individuals of European (Non-Finnish) descent in gnomAD. Although we suspect that this variant may be benign, at this time, the clinical significance of this variant is uncertain due to the absence of conclusive functional and genetic evidence.

Labcorp Genetics (formerly Invitae), Labcorp
Classification: Likely benign. Last evaluated: 2026-01-05. Review status: criteria provided, single submitter. Criteria: Invitae Variant Classification Sherloc (09022015). Collection method: clinical testing. Allele origin: germline.

Blueprint Genetics
Classification: Likely benign. Last evaluated: 2024-11-11. Review status: criteria provided, single submitter. Criteria: ACMG Guidelines, 2015. Collection method: clinical testing. Allele origin: germline.

Lab De Baere, Eye and Developmental Genetics Lab, Ghent University
Classification: Uncertain significance for Retinitis pigmentosa. Last evaluated: 2024-10-01. Review status: criteria provided, single submitter. Criteria: ACMG Guidelines, 2015. Collection method: research. Allele origin: inherited. Affected: yes. Observed: 1 variant allele.
Comment: ACMG/AMP guidelines: PP4_PP

Institute of Human Genetics, Univ. Regensburg, Univ. Regensburg
Classification: Uncertain significance for Retinal dystrophy. Last evaluated: 2023-01-01. Review status: criteria provided, single submitter. Criteria: ACMG Guidelines, 2015. Collection method: clinical testing. Allele origin: germline. Affected: yes.

GeneDx
Classification: Uncertain significance. Last evaluated: 2022-04-13. Review status: criteria provided, single submitter. Criteria: GeneDx Variant Classification Process June 2021. Collection method: clinical testing. Allele origin: germline. Affected: yes.
Comment: In silico analysis supports that this missense variant does not alter protein structure/function; This variant is associated with the following publications: (PMID: 32507954, 30718709)

Illumina Laboratory Services, Illumina
Classification: Uncertain significance for Leber congenital amaurosis 11. Last evaluated: 2018-01-12. Review status: criteria provided, single submitter. Criteria: ICSL Variant Classification Criteria 13 December 2019. Collection method: clinical testing. Allele origin: germline.

Illumina Laboratory Services, Illumina
Classification: Likely benign for Retinitis pigmentosa. Last evaluated: 2018-01-12. Review status: criteria provided, single submitter. Criteria: ICSL Variant Classification Criteria 13 December 2019. Collection method: clinical testing. Allele origin: germline.
Comment: This variant was observed in the ICSL laboratory as part of a predisposition screen in an ostensibly healthy population. It had not been previously curated by ICSL or reported in the Human Gene Mutation Database (HGMD: prior to June 1st, 2018), and was therefore a candidate for classification through an automated scoring system. Utilizing variant allele frequency, disease prevalence and penetrance estimates, and inheritance mode, an automated score was calculated to assess if this variant is too frequent to cause the disease. Based on the score and internal cut-off values, a variant classified as likely benign is not then subjected to further curation. The score for this variant resulted in a classification of likely benign for this disease.

Department of Clinical Genetics, Copenhagen University Hospital, Rigshospitalet
Classification: Uncertain significance for Retinitis pigmentosa. Last evaluated: 2018-04-01. Review status: no assertion criteria provided. Collection method: research. Allele origin: unknown. Affected: yes. Study: VeluxRD. Not counted in ClinVar's aggregate classification.

Literature cited by the submitters: PubMed 30718709 (cited by Institute of Human Genetics, Univ. Regensburg, Univ. Regensburg and Department of Clinical Genetics, Copenhagen University Hospital, Rigshospitalet).